The following is an entry in ClinVar:

NM_022765.4(MICAL1):c.2008A>G (p.Thr670Ala)

Gene: MICAL1 (microtubule associated monooxygenase, calponin and LIM domain containing 1; minus strand). Cytogenetic location: 6q21.
Variant type: single nucleotide variant.
Coding change: c.2008A>G on transcript NM_022765.4 (MANE Select); coding-DNA position 2008, A replaced by G.
Protein change: p.Thr670Ala; replaces threonine 670 with alanine.
Molecular consequence: missense variant.
Genome position (GRCh38, 1-based): chr6:109,447,419, T>C on the plus strand (A>G on the coding strand, the complement: MICAL1 is on the minus strand). VCF-style: chr6-109447419-T-C. GRCh37 (hg19) VCF-style: chr6-109768622-T-C.
Other names: c.1750A>G, p.Thr584Ala (NM_001159291.2); c.2065A>G, p.Thr689Ala (NM_001286613.2); short protein forms T584A, T670A, T689A.
Identifiers: ClinVar variation 1958031 (VCV001958031.5), dbSNP rs771770505, ClinGen allele CA3953108.

ClinVar aggregate classification (germline): Uncertain significance (1 of 4 stars; one submission).

Allele frequency attached by ClinVar (database versions not stated): TOPMed below 0.00001; ExAC 0.00001; gnomAD 0.00001; gnomAD exomes 0.00001.
gnomAD v4.1: 14 of 1,613,306 alleles (0.00087%); highest among the groups gnomAD compares: South Asian, 0.0088%; no homozygotes.

Submission:

Labcorp Genetics (formerly Invitae), Labcorp
Classification: Uncertain significance. Last evaluated: 2022-09-08. Review status: criteria provided, single submitter. Criteria: Invitae Variant Classification Sherloc (09022015). Collection method: clinical testing. Allele origin: germline.
Comment: This sequence change replaces threonine, which is neutral and polar, with alanine, which is neutral and non-polar, at codon 689 of the MICAL1 protein (p.Thr689Ala). This variant is present in population databases (rs771770505, gnomAD 0.01%). This variant has not been reported in the literature in individuals affected with MICAL1-related conditions. Algorithms developed to predict the effect of missense changes on protein structure and function output the following: SIFT: "Deleterious"; PolyPhen-2: "Benign"; Align-GVGD: "Class C0". The alanine amino acid residue is found in multiple mammalian species, which suggests that this missense change does not adversely affect protein function. In summary, the available evidence is currently insufficient to determine the role of this variant in disease. Therefore, it has been classified as a Variant of Uncertain Significance.